The following is an entry in ClinVar:

ClinVar aggregate classification (germline): Uncertain significance (1 of 4 stars; one submission).

Conditions:
Argininosuccinate lyase deficiency. Also called: Argininosuccinic aciduria; ARGININOSUCCINIC ACID LYASE DEFICIENCY; ASL DEFICIENCY. Identifiers: Orphanet 23, MedGen C0268547, MONDO:0008815, OMIM 207900, HP:0025630.

Submission:

Labcorp Genetics (formerly Invitae), Labcorp
Classification: Uncertain significance for Argininosuccinate lyase deficiency. Last evaluated: 2021-07-27. Review status: criteria provided, single submitter. Criteria: Invitae Variant Classification Sherloc (09022015). Collection method: clinical testing. Allele origin: germline.
Comment: In summary, the available evidence is currently insufficient to determine the role of this variant in disease. Therefore, it has been classified as a Variant of Uncertain Significance. Advanced modeling of protein sequence and biophysical properties (such as structural, functional, and spatial information, amino acid conservation, physicochemical variation, residue mobility, and thermodynamic stability) performed at Invitae indicates that this missense variant is expected to disrupt ASL protein function. This variant has not been reported in the literature in individuals affected with ASL-related conditions. This variant is not present in population databases (ExAC no frequency). This sequence change replaces alanine with glycine at codon 44 of the ASL protein (p.Ala44Gly). The alanine residue is highly conserved and there is a small physicochemical difference between alanine and glycine.

NM_000048.4(ASL):c.131C>G (p.Ala44Gly)

Gene: ASL (argininosuccinate lyase; plus strand). Cytogenetic location: 7q11.21.
Variant type: single nucleotide variant.
Coding change: c.131C>G on transcript NM_000048.4 (MANE Select); coding-DNA position 131, C replaced by G.
Protein change: p.Ala44Gly; replaces alanine 44 with glycine.
Molecular consequence: missense variant.
Genome position (GRCh38, 1-based): chr7:66,081,921, C>G. VCF-style: chr7-66081921-C-G. GRCh37 (hg19) VCF-style: chr7-65546908-C-G.
Other names: c.131C>G, p.Ala44Gly (NM_001024943.2, NM_001024944.2, NM_001024946.2); short protein forms A44G.
Identifiers: ClinVar variation 1508100 (VCV001508100.8), dbSNP rs2115691157, ClinGen allele CA367638198.